The following is an entry in ClinVar:

ClinVar aggregate classification (germline): Uncertain significance (1 of 4 stars; one submission).

Submission:

Labcorp Genetics (formerly Invitae), Labcorp
Classification: Uncertain significance. Last evaluated: 2022-08-16. Review status: criteria provided, single submitter. Criteria: Invitae Variant Classification Sherloc (09022015). Collection method: clinical testing. Allele origin: germline.
Comment: In summary, the available evidence is currently insufficient to determine the role of this variant in disease. Therefore, it has been classified as a Variant of Uncertain Significance. Algorithms developed to predict the effect of missense changes on protein structure and function are either unavailable or do not agree on the potential impact of this missense change (SIFT: "Tolerated"; PolyPhen-2: "Possibly Damaging"; Align-GVGD: "Class C0"). This variant has not been reported in the literature in individuals affected with ASPM-related conditions. This variant is not present in population databases (gnomAD no frequency). This sequence change replaces methionine, which is neutral and non-polar, with isoleucine, which is neutral and non-polar, at codon 2566 of the ASPM protein (p.Met2566Ile).

NM_018136.5(ASPM):c.7698G>A (p.Met2566Ile)

Gene: ASPM (assembly factor for spindle microtubules; minus strand). Cytogenetic location: 1q31.3.
Variant type: single nucleotide variant.
Coding change: c.7698G>A on transcript NM_018136.5 (MANE Select); coding-DNA position 7698, G replaced by A.
Protein change: p.Met2566Ile; replaces methionine 2566 with isoleucine.
Molecular consequence: missense variant. On other transcripts: intron variant (1).
Genome position (GRCh38, 1-based): chr1:197,101,553, C>T on the plus strand (G>A on the coding strand, the complement: ASPM is on the minus strand). VCF-style: chr1-197101553-C-T. GRCh37 (hg19) VCF-style: chr1-197070683-C-T.
Other names: c.4066-5389G>A (NM_001206846.2); short protein forms M2566I.
Identifiers: ClinVar variation 2107489 (VCV002107489.4), dbSNP rs2527291949, ClinGen allele CA344016345.